The following is an entry in ClinVar:

NM_213599.3(ANO5):c.*3168C>T

Gene: ANO5 (anoctamin 5; plus strand). Cytogenetic location: 11p14.3.
Variant type: single nucleotide variant.
Coding change: c.*3168C>T on transcript NM_213599.3 (MANE Select); 3168 bases downstream of the stop codon, C replaced by T.
Molecular consequence: 3 prime UTR variant.
Genome position (GRCh38, 1-based): chr11:22,282,933, C>T. VCF-style: chr11-22282933-C-T. GRCh37 (hg19) VCF-style: chr11-22304479-C-T.
Other names: c.*3168C>T (NM_001142649.2).
Identifiers: ClinVar variation 304162 (VCV000304162.7), dbSNP rs35892535, ClinGen allele CA10638804.

ClinVar aggregate classification (germline): Likely benign. Review status: criteria provided, multiple submitters, no conflicts (2 of 4 stars). 2 submissions from 2 submitters: Likely benign (2). Last evaluated 2021-05-14.

Conditions:
ANO5-Related Muscle Diseases. Identifiers: MedGen CN180644.

Allele frequency attached by ClinVar (database versions not stated): 1000 Genomes Project 0.00699; 1000 Genomes Project 30x 0.00718; gnomAD 0.01843 and 0.01790; TOPMed 0.01465.

Submissions (2):

GeneDx
Classification: Likely benign. Last evaluated: 2021-05-14. Review status: criteria provided, single submitter. Criteria: GeneDx Variant Classification Process June 2021. Collection method: clinical testing. Allele origin: germline. Affected: yes.

Illumina Laboratory Services, Illumina
Classification: Likely benign for ANO5-Related Muscle Diseases. Last evaluated: 2018-01-12. Review status: criteria provided, single submitter. Criteria: ICSL Variant Classification Criteria 13 December 2019. Collection method: clinical testing. Allele origin: germline.
Comment: This variant was observed in the ICSL laboratory as part of a predisposition screen in an ostensibly healthy population. It had not been previously curated by ICSL or reported in the Human Gene Mutation Database (HGMD: prior to June 1st, 2018), and was therefore a candidate for classification through an automated scoring system. Utilizing variant allele frequency, disease prevalence and penetrance estimates, and inheritance mode, an automated score was calculated to assess if this variant is too frequent to cause the disease. Based on the score and internal cut-off values, a variant classified as likely benign is not then subjected to further curation. The score for this variant resulted in a classification of likely benign for this disease.